The following is an entry in ClinVar:

NM_005045.4(RELN):c.7035C>T (p.Pro2345=)

Gene: RELN (reelin; minus strand). Cytogenetic location: 7q22.1.
Variant type: single nucleotide variant.
Coding change: c.7035C>T on transcript NM_005045.4 (MANE Select); coding-DNA position 7035, C replaced by T.
Protein change: p.Pro2345=; no amino-acid change (proline 2345 retained).
Molecular consequence: synonymous variant.
Genome position (GRCh38, 1-based): chr7:103,539,223, G>A on the plus strand (C>T on the coding strand, the complement: RELN is on the minus strand). VCF-style: chr7-103539223-G-A. GRCh37 (hg19) VCF-style: chr7-103179670-G-A.
Other names: c.7035C>T, p.Pro2345= (NM_173054.3).
Identifiers: ClinVar variation 1142005 (VCV001142005.33), dbSNP rs906374670, ClinGen allele CA163941572.
Genomic context (GRCh38, chr7:103,539,223, plus strand): 5'-CACGTAACGGGTGCTGGCCTTTTCAATGAAGACCAGGGCATCACCAGTAGAGCCACACAC[G>A]GGCATCTTGGTGCCTCCTGGGTGAAGCAGCCATTTCCTACTATCAAGGGTTGTGAAATCA-3'
Protein context (NP_005036.2, residues 2335-2355): WLLHPGGTKM[Pro2345=]VCGSTGDALV

ClinVar aggregate classification (germline): Likely benign. Review status: criteria provided, multiple submitters, no conflicts (2 of 4 stars). 3 submissions from 3 submitters: Likely benign (3). Last evaluated 2025-08-18.

Conditions:
Familial temporal lobe epilepsy 7. Identifiers: Orphanet 101046, MedGen C4225327, MONDO:0014639, OMIM 616436.
Norman-Roberts syndrome (LIS2). Also called: Lissencephaly 2 (Norman-Roberts type). Identifiers: Orphanet 89844, MedGen C0796089, MONDO:0009760, OMIM 257320.

Allele frequency attached by ClinVar (database versions not stated): gnomAD exomes 0.00003; gnomAD 0.00004; TOPMed 0.00006.
gnomAD v4.1: 55 of 1,614,122 alleles (0.0034%); highest among the groups gnomAD compares: Middle Eastern, 0.016%; no homozygotes.

Submissions (3):

Labcorp Genetics (formerly Invitae), Labcorp
Classification: Likely benign for Familial temporal lobe epilepsy 7; Norman-Roberts syndrome. Last evaluated: 2025-08-18. Review status: criteria provided, single submitter. Criteria: Invitae Variant Classification Sherloc (09022015). Collection method: clinical testing. Allele origin: germline.

Blueprint Genetics
Classification: Likely benign. Last evaluated: 2024-11-22. Review status: criteria provided, single submitter. Criteria: ACMG Guidelines, 2015. Collection method: clinical testing. Allele origin: germline.

CeGaT Center for Human Genetics Tuebingen
Classification: Likely benign. Last evaluated: 2022-10-01. Review status: criteria provided, single submitter. Criteria: CeGaT Center For Human Genetics Tuebingen Variant Classification Criteria Version 2. Collection method: clinical testing. Allele origin: germline. Affected: yes. Observed: 1 variant allele.
Comment: RELN: BP4, BP7